The following is an entry in ClinVar:

ClinVar aggregate classification (germline): Uncertain significance. Review status: criteria provided, multiple submitters, no conflicts (2 of 4 stars). 2 submissions from 2 submitters: Uncertain significance (2). Last evaluated 2025-10-08.

Allele frequency attached by ClinVar (database versions not stated): TOPMed 0.00001; gnomAD 0.00007.
gnomAD v4.1: 90 of 1,614,074 alleles (0.0056%); highest among the groups gnomAD compares: South Asian, 0.052%; no homozygotes.

Submissions (2):

Labcorp Genetics (formerly Invitae), Labcorp
Classification: Uncertain significance. Last evaluated: 2025-10-08. Review status: criteria provided, single submitter. Criteria: Invitae Variant Classification Sherloc (09022015). Collection method: clinical testing. Allele origin: germline.
Comment: This sequence change replaces threonine, which is neutral and polar, with isoleucine, which is neutral and non-polar, at codon 458 of the SIAE protein (p.Thr458Ile). This variant is present in population databases (rs770537556, gnomAD 0.04%). This variant has not been reported in the literature in individuals affected with SIAE-related conditions. ClinVar contains an entry for this variant (Variation ID: 2242086). An algorithm developed to predict the effect of missense changes on protein structure and function (PolyPhen-2) suggests that this variant is likely to be tolerated. In summary, the available evidence is currently insufficient to determine the role of this variant in disease. Therefore, it has been classified as a Variant of Uncertain Significance.

Ambry Genetics
Classification: Uncertain significance. Last evaluated: 2024-07-30. Review status: criteria provided, single submitter. Criteria: Ambry Variant Classification Scheme 2023. Collection method: clinical testing. Allele origin: germline.

NM_170601.5(SIAE):c.1373C>T (p.Thr458Ile)

Gene: SIAE (sialic acid acetylesterase; minus strand). Cytogenetic location: 11q24.2.
Variant type: single nucleotide variant.
Coding change: c.1373C>T on transcript NM_170601.5 (MANE Select); coding-DNA position 1373, C replaced by T.
Protein change: p.Thr458Ile; replaces threonine 458 with isoleucine.
Molecular consequence: missense variant.
Genome position (GRCh38, 1-based): chr11:124,637,150, G>A on the plus strand (C>T on the coding strand, the complement: SIAE is on the minus strand). VCF-style: chr11-124637150-G-A. GRCh37 (hg19) VCF-style: chr11-124507046-G-A.
Other names: c.1268C>T, p.Thr423Ile (NM_001199922.2); c.1373C>T (NM_170601.4); short protein forms T423I, T458I.
Identifiers: ClinVar variation 2242086 (VCV002242086.9), dbSNP rs770537556, ClinGen allele CA6341191.